The following is an entry in ClinVar:

ClinVar aggregate classification (germline): Pathogenic/Likely pathogenic. Review status: criteria provided, multiple submitters, no conflicts (2 of 4 stars). 4 submissions from 4 submitters: Pathogenic (1); Likely pathogenic (3). Last evaluated 2025-07-11.

Conditions:
Progressive sclerosing poliodystrophy (MTDPS4A). Also called: NEURONAL DEGENERATION OF CHILDHOOD WITH LIVER DISEASE, PROGRESSIVE; Alpers Syndrome; ALPERS DIFFUSE DEGENERATION OF CEREBRAL GRAY MATTER WITH HEPATIC CIRRHOSIS; Alpers-Huttenlocher Syndrome; Mitochondrial DNA depletion syndrome 4A (Alpers type); Mitochondrial DNA Depletion Syndrome 4A. Identifiers: Orphanet 726, MedGen C0205710, MONDO:0008758, OMIM 203700.
Progressive external ophthalmoplegia with mitochondrial DNA deletions, autosomal dominant 1 (PEOA1). Also called: Autosomal Dominant Progressive External Ophthalmoplegia (adPEO); PROGRESSIVE EXTERNAL OPHTHALMOPLEGIA, AUTOSOMAL DOMINANT 1. Identifiers: MedGen C1834846, MONDO:0024528, OMIM 157640.
Mitochondrial DNA depletion syndrome 4b. Also called: MNGIE, POLG-RELATED; Mitochondrial Neurogastrointestinal Encephalopathy Disease, POLG-Related. Identifiers: Orphanet 298, MedGen C3150914, MONDO:0013350, OMIM 613662.
Sensory ataxic neuropathy, dysarthria, and ophthalmoparesis (SANDO). Also called: Ataxia Neuropathy Spectrum (ANS); Sensory ataxic neuropathy-dysarthria-ophthalmoparesis syndrome; Epilepsy, progressive myoclonic, type 5; SENSORY ATAXIC NEUROPATHY WITH MITOCHONDRIAL DNA DELETIONS, AUTOSOMAL RECESSIVE. Identifiers: Orphanet 70595, MedGen C1843851, MONDO:0011835, OMIM 607459.
Progressive external ophthalmoplegia with mitochondrial DNA deletions, autosomal recessive 1 (PEOB1). Also called: Progressive external ophthalmoplegia, autosomal recessive 1; Autosomal Recessive Progressive External Ophthalmoplegia (arPEO). Identifiers: Orphanet 254886, MedGen C4225153, MONDO:0009783, OMIM 258450.

Submissions (4):

Labcorp Genetics (formerly Invitae), Labcorp
Classification: Likely pathogenic for Progressive sclerosing poliodystrophy. Last evaluated: 2025-07-11. Review status: criteria provided, single submitter. Criteria: Invitae Variant Classification Sherloc (09022015). Collection method: clinical testing. Allele origin: germline.
Comment: This sequence change affects an acceptor splice site in intron 2 of the POLG gene. It is expected to disrupt RNA splicing. Variants that disrupt the donor or acceptor splice site typically lead to a loss of protein function (PMID: 16199547), and loss-of-function variants in POLG are known to be pathogenic (PMID: 18546365). This variant is not present in population databases (gnomAD no frequency). This variant has not been reported in the literature in individuals affected with POLG-related conditions. ClinVar contains an entry for this variant (Variation ID: 1339608). Algorithms developed to predict the effect of sequence changes on RNA splicing suggest that this variant may disrupt the consensus splice site. In summary, the currently available evidence indicates that the variant is pathogenic, but additional data are needed to prove that conclusively. Therefore, this variant has been classified as Likely Pathogenic.

Fulgent Genetics
Classification: Likely pathogenic for Progressive external ophthalmoplegia with mitochondrial DNA deletions, autosomal dominant 1; Progressive sclerosing poliodystrophy; Progressive external ophthalmoplegia with mitochondrial DNA deletions, autosomal recessive 1; Sensory ataxic neuropathy, dysarthria, and ophthalmoparesis; Mitochondrial DNA depletion syndrome 4b. Last evaluated: 2024-04-07. Review status: criteria provided, single submitter. Criteria: ACMG Guidelines, 2015. Collection method: clinical testing. Allele origin: germline.

Mayo Clinic Laboratories, Mayo Clinic
Classification: Likely pathogenic. Last evaluated: 2023-10-02. Review status: criteria provided, single submitter. Criteria: ACMG Guidelines, 2015. Collection method: clinical testing. Allele origin: germline. Observed: 2 variant alleles.
Comment: PM2_moderate, PVS1

GeneDx
Classification: Pathogenic. Last evaluated: 2022-02-02. Review status: criteria provided, single submitter. Criteria: GeneDx Variant Classification Process June 2021. Collection method: clinical testing. Allele origin: germline. Affected: yes.
Comment: Canonical splice site variant predicted to result in a null allele in a gene for which loss-of-function is a known mechanism of disease; Not observed in large population cohorts (gnomAD); Has not been previously published as pathogenic or benign to our knowledge

Literature cited by the submitters: PubMed 16199547 (cited by Labcorp Genetics (formerly Invitae), Labcorp); PubMed 18546365 (cited by Labcorp Genetics (formerly Invitae), Labcorp).

NM_002693.3(POLG):c.660-2A>G

Genes: POLG (DNA polymerase gamma, catalytic subunit; minus strand), POLGARF (POLG alternative reading frame; minus strand). Cytogenetic location: 15q26.1.
Variant type: single nucleotide variant.
Coding change: c.660-2A>G on transcript NM_002693.3 (MANE Select); the canonical splice acceptor site of the intron before coding-DNA position 660, A replaced by G.
Molecular consequence: splice acceptor variant.
Genome position (GRCh38, 1-based): chr15:89,330,278, T>C on the plus strand (A>G on the coding strand, the complement: POLG is on the minus strand). VCF-style: chr15-89330278-T-C. GRCh37 (hg19) VCF-style: chr15-89873509-T-C.
Other names: c.660-2A>G (NM_001126131.2, NM_002693.2).
Identifiers: ClinVar variation 1339608 (VCV001339608.7), dbSNP rs2141806882, ClinGen allele CA393767410.